The following is an entry in ClinVar:

ClinVar aggregate classification (germline): Uncertain significance (1 of 4 stars; one submission).

Allele frequency attached by ClinVar (database versions not stated): gnomAD exomes below 0.00001; gnomAD 0.00001.

Submission:

Ambry Genetics
Classification: Uncertain significance. Last evaluated: 2024-05-25. Review status: criteria provided, single submitter. Criteria: Ambry Variant Classification Scheme 2023. Collection method: clinical testing. Allele origin: germline.
Comment: The p.M207I variant (also known as c.621G>A) is located in coding exon 8 of the BUB1 gene. The methionine at codon 207 is replaced by isoleucine, an amino acid with highly similar properties. This change occurs in the first base pair of coding exon 8. This amino acid position is conserved. In addition, this alteration is predicted to be tolerated by in silico analysis. Since supporting evidence is limited at this time, the clinical significance of this alteration remains unclear.

NM_004336.5(BUB1):c.621G>A (p.Met207Ile)

Gene: BUB1 (BUB1 mitotic checkpoint serine/threonine kinase; minus strand). Cytogenetic location: 2q13.
Variant type: single nucleotide variant.
Coding change: c.621G>A on transcript NM_004336.5 (MANE Select); coding-DNA position 621, G replaced by A.
Protein change: p.Met207Ile; replaces methionine 207 with isoleucine.
Molecular consequence: missense variant.
Genome position (GRCh38, 1-based): chr2:110,667,705, C>T on the plus strand (G>A on the coding strand, the complement: BUB1 is on the minus strand). VCF-style: chr2-110667705-C-T. GRCh37 (hg19) VCF-style: chr2-111425282-C-T.
Other names: c.561G>A, p.Met187Ile (NM_001278616.2); c.621G>A, p.Met207Ile (NM_001278617.2); short protein forms M187I, M207I.
Identifiers: ClinVar variation 1752284 (VCV001752284.4), dbSNP rs1559173780, ClinGen allele CA348218137.